The following is an entry in ClinVar:

NM_006258.4(PRKG1):c.1963-5dup

Gene: PRKG1 (protein kinase cGMP-dependent 1; plus strand). Cytogenetic location: 10q21.1.
Variant type: Duplication.
Coding change: c.1963-5dup on transcript NM_006258.4 (MANE Select); 5 bases into the intron before coding-DNA position 1963, one base duplicated (T; older notation c.1963-5dupT).
Molecular consequence: intron variant.
Genome position (GRCh38, 1-based): chr10:52,293,797, T duplicated; the last of 6 consecutive T bases (chr10:52,293,792-52,293,797); duplicating any one gives the same sequence. VCF-style (leftmost placement, unchanged base first): chr10-52293791-A-AT. GRCh37 (hg19) VCF-style: chr10-54053551-A-AT.
Other names: c.1918-5dup (NM_001098512.3); c.1963-5dupT (NM_006258.3).
Identifiers: ClinVar variation 508665 (VCV000508665.4), dbSNP rs1377958548, ClinGen allele CA593553311.

ClinVar aggregate classification (germline): Benign/Likely benign. Review status: criteria provided, multiple submitters, no conflicts (2 of 4 stars). 2 submissions from 2 submitters: Benign (1); Likely benign (1). Last evaluated 2025-12-20.

Conditions:
Aortic aneurysm, familial thoracic 8 (AAT8). Identifiers: MedGen C3809513, MONDO:0014187, OMIM 615436.

Submissions (2):

Labcorp Genetics (formerly Invitae), Labcorp
Classification: Benign for Aortic aneurysm, familial thoracic 8. Last evaluated: 2025-12-20. Review status: criteria provided, single submitter. Criteria: Invitae Variant Classification Sherloc (09022015). Collection method: clinical testing. Allele origin: germline.

GeneDx
Classification: Likely benign. Last evaluated: 2017-04-04. Review status: criteria provided, single submitter. Criteria: GeneDx Variant Classification (06012015). Collection method: clinical testing. Allele origin: germline. Affected: yes.
Comment: This variant is considered likely benign or benign based on one or more of the following criteria: it is a conservative change, it occurs at a poorly conserved position in the protein, it is predicted to be benign by multiple in silico algorithms, and/or has population frequency not consistent with disease.